The following is an entry in ClinVar:

NM_012448.4(STAT5B):c.2303G>A (p.Arg768His)

Gene: STAT5B (signal transducer and activator of transcription 5B; minus strand). Cytogenetic location: 17q21.2.
Variant type: single nucleotide variant.
Coding change: c.2303G>A on transcript NM_012448.4 (MANE Select); coding-DNA position 2303, G replaced by A.
Protein change: p.Arg768His; replaces arginine 768 with histidine.
Molecular consequence: missense variant.
Genome position (GRCh38, 1-based): chr17:42,201,799, C>T on the plus strand (G>A on the coding strand, the complement: STAT5B is on the minus strand). VCF-style: chr17-42201799-C-T. GRCh37 (hg19) VCF-style: chr17-40353817-C-T.
Other names: short protein forms R768H.
Identifiers: ClinVar variation 1350260 (VCV001350260.8), dbSNP rs763716770, ClinGen allele CA8573799.

ClinVar aggregate classification (germline): Uncertain significance (1 of 4 stars; one submission).

Conditions:
Growth hormone insensitivity with immune dysregulation 1, autosomal recessive. Also called: Laron syndrome with immunodeficiency; GROWTH HORMONE INSENSITIVITY DUE TO POSTRECEPTOR DEFECT; LARON SYNDROME DUE TO POSTRECEPTOR DEFECT; GROWTH HORMONE INSENSITIVITY SYNDROME WITH IMMUNE DYSREGULATION 1, AUTOSOMAL RECESSIVE. Identifiers: Orphanet 220465, MedGen C5435698, MONDO:0100211, OMIM 245590.

Allele frequency attached by ClinVar (database versions not stated): gnomAD 0.00001; gnomAD exomes 0.00001 and 0.00003; TOPMed 0.00002; ExAC 0.00003.
gnomAD v4.1: 21 of 1,613,974 alleles (0.0013%); highest among the groups gnomAD compares: Middle Eastern, 0.016%; no homozygotes.

Submission:

Labcorp Genetics (formerly Invitae), Labcorp
Classification: Uncertain significance for Growth hormone insensitivity with immune dysregulation 1, autosomal recessive. Last evaluated: 2024-11-28. Review status: criteria provided, single submitter. Criteria: Invitae Variant Classification Sherloc (09022015). Collection method: clinical testing. Allele origin: germline.
Comment: This sequence change replaces arginine, which is basic and polar, with histidine, which is basic and polar, at codon 768 of the STAT5B protein (p.Arg768His). This variant is present in population databases (rs763716770, gnomAD 0.01%). This variant has not been reported in the literature in individuals affected with STAT5B-related conditions. ClinVar contains an entry for this variant (Variation ID: 1350260). An algorithm developed to predict the effect of missense changes on protein structure and function outputs the following: PolyPhen-2: "Benign". The histidine amino acid residue is found in multiple mammalian species, which suggests that this missense change does not adversely affect protein function. In summary, the available evidence is currently insufficient to determine the role of this variant in disease. Therefore, it has been classified as a Variant of Uncertain Significance.